The following is an entry in ClinVar:

ClinVar aggregate classification (germline): Uncertain significance (1 of 4 stars; one submission).

Submission:

GeneDx
Classification: Uncertain significance. Last evaluated: 2024-02-06. Review status: criteria provided, single submitter. Criteria: GeneDx Variant Classification Process June 2021. Collection method: clinical testing. Allele origin: germline. Affected: yes.
Comment: Not observed at significant frequency in large population cohorts (gnomAD); In silico analysis supports that this missense variant has a deleterious effect on protein structure/function; Has not been previously published as pathogenic or benign to our knowledge

NM_001005273.3(CHD3):c.5481G>A (p.Met1827Ile)

Gene: CHD3 (chromodomain helicase DNA binding protein 3; plus strand). Cytogenetic location: 17p13.1.
Variant type: single nucleotide variant.
Coding change: c.5481G>A on transcript NM_001005273.3 (MANE Select); coding-DNA position 5481, G replaced by A.
Protein change: p.Met1827Ile; replaces methionine 1827 with isoleucine.
Molecular consequence: missense variant.
Genome position (GRCh38, 1-based): chr17:7,909,229, G>A. VCF-style: chr17-7909229-G-A. GRCh37 (hg19) VCF-style: chr17-7812547-G-A.
Other names: c.5658G>A, p.Met1886Ile (NM_001005271.3); c.5379G>A, p.Met1793Ile (NM_005852.4); short protein forms M1793I, M1827I, M1886I.
Identifiers: ClinVar variation 3368803 (VCV003368803.1).